The following is an entry in ClinVar:

NM_004385.5(VCAN):c.1262C>G (p.Thr421Ser)

Gene: VCAN (versican; plus strand). Cytogenetic location: 5q14.3.
Variant type: single nucleotide variant.
Coding change: c.1262C>G on transcript NM_004385.5 (MANE Select); coding-DNA position 1262, C replaced by G.
Protein change: p.Thr421Ser; replaces threonine 421 with serine.
Molecular consequence: missense variant. On other transcripts: intron variant (2).
Genome position (GRCh38, 1-based): chr5:83,519,568, C>G. VCF-style: chr5-83519568-C-G. GRCh37 (hg19) VCF-style: chr5-82815387-C-G.
Other names: c.1262C>G (NM_004385.4); c.1262C>G, p.Thr421Ser (NM_001164098.2); c.1042+7172C>G (NM_001164097.2, NM_001126336.3); short protein forms T421S.
Identifiers: ClinVar variation 1511977 (VCV001511977.12), dbSNP rs781015648, ClinGen allele CA3332637.

ClinVar aggregate classification (germline): Conflicting classifications of pathogenicity. Review status: criteria provided, conflicting classifications (1 of 4 stars). 4 submissions from 4 submitters: Uncertain significance (2); Likely benign (2). Last evaluated 2025-12-11.

Conditions:
VCAN-related disorder. Also called: VCAN-related condition.
Inborn genetic diseases. Identifiers: MedGen C0950123, MeSH D030342.

Allele frequency attached by ClinVar (database versions not stated): gnomAD 0.00001; TOPMed 0.00003; gnomAD exomes 0.00004 and 0.00008; ExAC 0.00006.
gnomAD v4.1: 25 of 1,614,014 alleles (0.0015%); highest among the groups gnomAD compares: Admixed American, 0.042%; no homozygotes.

Submissions (4):

Ambry Genetics
Classification: Uncertain significance for Inborn genetic diseases. Last evaluated: 2025-12-11. Review status: criteria provided, single submitter. Criteria: Ambry Variant Classification Scheme 2023. Collection method: clinical testing. Allele origin: germline.

Labcorp Genetics (formerly Invitae), Labcorp
Classification: Uncertain significance. Last evaluated: 2025-11-18. Review status: criteria provided, single submitter. Criteria: Invitae Variant Classification Sherloc (09022015). Collection method: clinical testing. Allele origin: germline.
Comment: This sequence change replaces threonine, which is neutral and polar, with serine, which is neutral and polar, at codon 421 of the VCAN protein (p.Thr421Ser). This variant is present in population databases (rs781015648, gnomAD 0.06%), and has an allele count higher than expected for a pathogenic variant. This variant has not been reported in the literature in individuals affected with VCAN-related conditions. ClinVar contains an entry for this variant (Variation ID: 1511977). An algorithm developed to predict the effect of missense changes on protein structure and function (PolyPhen-2) suggests that this variant is likely to be tolerated. In summary, the available evidence is currently insufficient to determine the role of this variant in disease. Therefore, it has been classified as a Variant of Uncertain Significance.

PreventionGenetics, part of Exact Sciences
Classification: Likely benign for VCAN-related condition. Last evaluated: 2025-01-19. Review status: criteria provided, single submitter. Criteria: ACMG Guidelines, 2015. Collection method: clinical testing. Allele origin: germline.
Comment: This variant is classified as likely benign based on ACMG/AMP sequence variant interpretation guidelines (Richards et al. 2015 PMID: 25741868, with internal and published modifications).

Blueprint Genetics
Classification: Likely benign. Last evaluated: 2019-08-27. Review status: criteria provided, single submitter. Criteria: ACMG Guidelines, 2015. Collection method: clinical testing. Allele origin: germline.